The following is an entry in ClinVar:

ClinVar aggregate classification (germline): Pathogenic. Review status: criteria provided, single submitter (1 of 4 stars). 2 submissions from 2 submitters: Pathogenic (1). 1 of the submissions does not count toward it. Last evaluated 2022-04-11.

Conditions:
Intellectual developmental disorder, autosomal dominant 66. Also called: MENTAL RETARDATION, AUTOSOMAL DOMINANT 66. Identifiers: MedGen C5677000, MONDO:0030891, OMIM 619910.
Neurodevelopmental disorder. Identifiers: MedGen C1535926, MeSH D065886, MONDO:0700092.

Submissions (2):

Institute of Human Genetics, University of Leipzig Medical Center
Classification: Pathogenic for Neurodevelopmental disorder. Last evaluated: 2022-04-11. Review status: criteria provided, single submitter. Criteria: ACMG Guidelines, 2015. Collection method: clinical testing. Allele origin: de novo. Affected: yes.
Comment: This variant was identified as de novo (maternity and paternity confirmed)._x000D_ Criteria applied: PVS1, PS2_MOD, PM2_SUP

OMIM
Classification: Pathogenic for INTELLECTUAL DEVELOPMENTAL DISORDER, AUTOSOMAL DOMINANT 66. Last evaluated: 2026-01-31. Review status: no assertion criteria provided. Collection method: literature only. Allele origin: germline. Not counted in ClinVar's aggregate classification.

Literature cited by the submitters: PubMed 35358416 (cited by Institute of Human Genetics, University of Leipzig Medical Center); PubMed 41223852 (cited by OMIM).

NM_001366521.1(ATP2B1):c.2632C>T (p.Gln878Ter)

Gene: ATP2B1 (ATPase plasma membrane Ca2+ transporting 1; minus strand). Cytogenetic location: 12q21.33.
Variant type: single nucleotide variant.
Coding change: c.2632C>T on transcript NM_001366521.1 (MANE Select); coding-DNA position 2632, C replaced by T.
Protein change: p.Gln878Ter; replaces glutamine 878 with a stop codon.
Molecular consequence: nonsense.
Genome position (GRCh38, 1-based): chr12:89,604,157, G>A on the plus strand (C>T on the coding strand, the complement: ATP2B1 is on the minus strand). VCF-style: chr12-89604157-G-A. GRCh37 (hg19) VCF-style: chr12-89997934-G-A.
Other names: c.2632C>T, p.Gln878Ter (NM_001001323.2, NM_001366520.1, NM_001366522.1 and 8 more transcripts); c.2434C>T, p.Gln812Ter (NM_001366530.1); c.2071C>T, p.Gln691Ter (NM_001366531.1, NM_001366532.1); short protein forms Q691*, Q812*, Q878*.
Identifiers: ClinVar variation 1679165 (VCV001679165.4), dbSNP rs1033577592, ClinGen allele CA386003464.